The following is an entry in ClinVar:

ClinVar aggregate classification (germline): other (0 of 4 stars; one submission).

Conditions:
Familial colorectal cancer. Identifiers: MedGen CN280943, MONDO:0023113. Disease mechanism: loss of function.

Submission:

Systems Biology Platform Zhejiang California International NanoSystems Institute
Classification: other for Familial colorectal cancer. Review status: no assertion criteria provided. Collection method: not provided. Allele origin: unknown.
ClinVar note: Converted during submission from cancer to other.

NM_001127511.3(APC):c.165+28811A>G

Gene: APC (APC regulator of Wnt signaling pathway; plus strand). Cytogenetic location: 5q22.2.
Variant type: single nucleotide variant.
Coding change: c.165+28811A>G on transcript NM_001127511.3; 28811 bases into the intron after coding-DNA position 165, A replaced by G.
Molecular consequence: intron variant.
Genome position (GRCh38, 1-based): chr5:112,736,693, A>G. VCF-style: chr5-112736693-A-G. GRCh37 (hg19) VCF-style: chr5-112072390-A-G.
Other names: c.-1053-18180A>G (NM_001407470.1, NM_001407472.1); c.-18-18180A>G (NM_001407447.1, NM_001354895.2, NM_001407456.1 and 7 more transcripts); c.165+28811A>G (NM_001407446.1, NM_001354897.2, NM_001354902.2); c.-43+29044A>G (NM_001407453.1).
Identifiers: ClinVar variation 82324 (VCV000082324.4), dbSNP rs75860417, ClinGen allele CA023632.